The following is an entry in ClinVar:

NM_016232.5(IL33R):c.1533G>A (p.Lys511=)

Gene: IL33R (interleukin 33 receptor; plus strand). Cytogenetic location: 2q12.1.
Variant type: single nucleotide variant.
Coding change: c.1533G>A on transcript NM_016232.5 (MANE Select); coding-DNA position 1533, G replaced by A.
Protein change: p.Lys511=; no amino-acid change (lysine 511 retained).
Molecular consequence: synonymous variant.
Genome position (GRCh38, 1-based): chr2:102,351,783, G>A. VCF-style: chr2-102351783-G-A. GRCh37 (hg19) VCF-style: chr2-102968243-G-A.
Identifiers: ClinVar variation 713563 (VCV000713563.25), dbSNP rs113360315, ClinGen allele CA1809705.

ClinVar aggregate classification (germline): Benign/Likely benign. Review status: criteria provided, multiple submitters, no conflicts (2 of 4 stars). 2 submissions from 2 submitters: Benign (1); Likely benign (1). Last evaluated 2024-02-01.

Allele frequency attached by ClinVar (database versions not stated): 1000 Genomes Project 0.00120; 1000 Genomes Project 30x 0.00125; TOPMed 0.00186; gnomAD 0.00190 and 0.00191; gnomAD exomes 0.00203 and 0.00330; ExAC 0.00208; ESP Exome Variant Server 0.00308.
gnomAD v4.1: 5,081 of 1,614,114 alleles (0.31%); highest among the groups gnomAD compares: Non-Finnish European, 0.38%; 17 homozygotes.

Submissions (2):

CeGaT Center for Human Genetics Tuebingen
Classification: Likely benign. Last evaluated: 2024-02-01. Review status: criteria provided, single submitter. Criteria: CeGaT Center For Human Genetics Tuebingen Variant Classification Criteria Version 2. Collection method: clinical testing. Allele origin: germline. Affected: yes. Observed: 1 variant allele.
Comment: IL1RL1: BP4, BP7, BS2

Labcorp Genetics (formerly Invitae), Labcorp
Classification: Benign. Last evaluated: 2018-07-17. Review status: criteria provided, single submitter. Criteria: Invitae Variant Classification Sherloc (09022015). Collection method: clinical testing. Allele origin: germline.